The following is an entry in ClinVar:

NM_001048174.2(MUTYH):c.1513T>C (p.Phe505Leu)

Gene: MUTYH (mutY DNA glycosylase; minus strand). Cytogenetic location: 1p34.1.
Variant type: single nucleotide variant.
Coding change: c.1513T>C on transcript NM_001048174.2 (MANE Select); coding-DNA position 1513, T replaced by C.
Protein change: p.Phe505Leu; replaces phenylalanine 505 with leucine.
Molecular consequence: missense variant. On other transcripts: non-coding transcript variant (7).
Genome position (GRCh38, 1-based): chr1:45,329,359, A>G on the plus strand (T>C on the coding strand, the complement: MUTYH is on the minus strand). VCF-style: chr1-45329359-A-G. GRCh37 (hg19) VCF-style: chr1-45795031-A-G.
Other names: c.1513T>C, p.Phe505Leu (NM_001048171.2, NM_001048173.2, NM_001293195.2 and 6 more transcripts); c.1516T>C, p.Phe506Leu (NM_001048172.2, NM_001407086.1, NM_001407071.1 and 1 more transcripts); c.1597T>C, p.Phe533Leu (NM_001128425.2); c.1558T>C, p.Phe520Leu (NM_001293190.2); c.1546T>C, p.Phe516Leu (NM_001293191.2, NM_001407069.1, NM_001407077.1); c.1237T>C, p.Phe413Leu (NM_001293192.2, NM_001293196.2, NM_001407091.1); c.1168T>C, p.Phe390Leu (NM_001350650.2, NM_001350651.2, NM_001407082.1); c.1555T>C, p.Phe519Leu (NM_001407083.1, NM_001407085.1); and 5 more; short protein forms F413L, F505L, F506L, F520L, F533L, F519L, F530L, F491L.
Identifiers: ClinVar variation 4113419 (VCV004113419.1).
Genomic context (GRCh38, chr1:45,329,359, plus strand): 5'-AGAGGTGTCACTGGGCTGCACTGTTGAGGCTGTGTGCATCAGTGGAGATGTGAGACCGAA[A>G]GAAATTATCCAGGACTTGCTGGCCCATGCGGGGCTTTTTCCGACTGCACGGAGAGGACAC-3'
Protein context (NP_001041639.1, residues 495-515): RMGQQVLDNF[Phe505Leu]RSHISTDAHS

ClinVar aggregate classification (germline): Uncertain significance (1 of 4 stars; one submission).

Conditions:
Hereditary cancer-predisposing syndrome. Also called: Tumor predisposition; Neoplastic Syndromes, Hereditary; Hereditary neoplastic syndrome; Hereditary Cancer Syndrome. Identifiers: Orphanet 140162, MedGen C0027672, MeSH D009386, MONDO:0015356.

Submission:

Ambry Genetics
Classification: Uncertain significance for Hereditary cancer-predisposing syndrome. Last evaluated: 2025-08-27. Review status: criteria provided, single submitter. Criteria: Ambry Variant Classification Scheme 2023. Collection method: clinical testing. Allele origin: germline.
Comment: The p.F533L variant (also known as c.1597T>C), located in coding exon 16 of the MUTYH gene, results from a T to C substitution at nucleotide position 1597. The phenylalanine at codon 533 is replaced by leucine, an amino acid with highly similar properties. This amino acid position is conserved. In addition, this alteration is predicted to be tolerated by in silico analysis. Based on the available evidence, the clinical significance of this variant remains unclear.